The following is an entry in ClinVar:

ClinVar aggregate classification (germline): Benign. Review status: criteria provided, single submitter (1 of 4 stars). 2 submissions from 2 submitters: Benign (1). 1 of the submissions does not count toward it. Last evaluated 2024-07-17.

Conditions:
NUP93-related disorder. Also called: NUP93-related condition.

Allele frequency attached by ClinVar (database versions not stated): gnomAD exomes 0.00003; gnomAD 0.00013; TOPMed 0.00016; ExAC 0.00027.
gnomAD v4.1: 65 of 1,614,020 alleles (0.004%); highest among the groups gnomAD compares: East Asian, 0.14%; 1 homozygote.

Submissions (2):

Labcorp Genetics (formerly Invitae), Labcorp
Classification: Benign. Last evaluated: 2024-07-17. Review status: criteria provided, single submitter. Criteria: Invitae Variant Classification Sherloc (09022015). Collection method: clinical testing. Allele origin: germline.

PreventionGenetics, part of Exact Sciences
Classification: Likely benign for NUP93-related condition. Last evaluated: 2022-03-07. Review status: no assertion criteria provided. Collection method: clinical testing. Allele origin: germline. Not counted in ClinVar's aggregate classification.
Comment: This variant is classified as likely benign based on ACMG/AMP sequence variant interpretation guidelines (Richards et al. 2015 PMID: 25741868, with internal and published modifications).

NM_014669.5(NUP93):c.306G>A (p.Leu102=)

Gene: NUP93 (nucleoporin 93; plus strand). Cytogenetic location: 16q13.
Variant type: single nucleotide variant.
Coding change: c.306G>A on transcript NM_014669.5 (MANE Select); coding-DNA position 306, G replaced by A.
Protein change: p.Leu102=; no amino-acid change (leucine 102 retained).
Molecular consequence: synonymous variant. On other transcripts: 5 prime UTR variant (2).
Genome position (GRCh38, 1-based): chr16:56,798,484, G>A. VCF-style: chr16-56798484-G-A. GRCh37 (hg19) VCF-style: chr16-56832396-G-A.
Other names: c.-64G>A (NM_001242795.2, NM_001242796.2); c.306G>A (NM_014669.4).
Identifiers: ClinVar variation 2889087 (VCV002889087.5), dbSNP rs745520675, ClinGen allele CA8068045.